The following is an entry in ClinVar:

ClinVar aggregate classification (germline): Uncertain significance (1 of 4 stars; one submission).

Allele frequency attached by ClinVar (database versions not stated): gnomAD exomes below 0.00001.
gnomAD v4.1: 2 of 1,613,912 alleles (0.00012%); highest among the groups gnomAD compares: Non-Finnish European, 0.00017%; no homozygotes.

Submission:

GeneDx
Classification: Uncertain significance. Last evaluated: 2021-06-30. Review status: criteria provided, single submitter. Criteria: GeneDx Variant Classification Process June 2021. Collection method: clinical testing. Allele origin: germline. Affected: yes.
Comment: Not observed at significant frequency in large population cohorts (Lek et al., 2016); In silico analysis supports that this missense variant does not alter protein structure/function; Has not been previously published as pathogenic or benign to our knowledge; This variant is associated with the following publications: (PMID: 27535533)

NM_021008.4(DEAF1):c.463G>A (p.Gly155Arg)

Gene: DEAF1 (DEAF1 transcription factor; minus strand). Cytogenetic location: 11p15.5.
Variant type: single nucleotide variant.
Coding change: c.463G>A on transcript NM_021008.4 (MANE Select); coding-DNA position 463, G replaced by A.
Protein change: p.Gly155Arg; replaces glycine 155 with arginine.
Molecular consequence: missense variant. On other transcripts: 5 prime UTR variant (1).
Genome position (GRCh38, 1-based): chr11:688,385, C>T on the plus strand (G>A on the coding strand, the complement: DEAF1 is on the minus strand). VCF-style: chr11-688385-C-T. GRCh37 (hg19) VCF-style: chr11-688385-C-T.
Other names: c.463G>A, p.Gly155Arg (NM_001293634.2); c.-264G>A (NM_001367390.1); short protein forms G155R.
Identifiers: ClinVar variation 1331241 (VCV001331241.2), dbSNP rs938689506, ClinGen allele CA216908357.